The following is an entry in ClinVar:

ClinVar aggregate classification (germline): Uncertain significance (1 of 4 stars; one submission).

Conditions:
Hypertrophic cardiomyopathy 14. Identifiers: MedGen C2750467, MONDO:0013197, OMIM 613251.

Submission:

Labcorp Genetics (formerly Invitae), Labcorp
Classification: Uncertain significance for Hypertrophic cardiomyopathy 14. Last evaluated: 2024-11-13. Review status: criteria provided, single submitter. Criteria: Invitae Variant Classification Sherloc (09022015). Collection method: clinical testing. Allele origin: germline.
Comment: This sequence change replaces glutamic acid, which is acidic and polar, with lysine, which is basic and polar, at codon 1580 of the MYH6 protein (p.Glu1580Lys). This variant is not present in population databases (gnomAD no frequency). This variant has not been reported in the literature in individuals affected with MYH6-related conditions. Invitae Evidence Modeling of protein sequence and biophysical properties (such as structural, functional, and spatial information, amino acid conservation, physicochemical variation, residue mobility, and thermodynamic stability) indicates that this missense variant is not expected to disrupt MYH6 protein function with a negative predictive value of 80%. In summary, the available evidence is currently insufficient to determine the role of this variant in disease. Therefore, it has been classified as a Variant of Uncertain Significance.

NM_002471.4(MYH6):c.4738G>A (p.Glu1580Lys)

Genes: MYH6 (myosin heavy chain 6; minus strand), LOC126861896 (BRD4-independent group 4 enhancer GRCh37_chr14:23854904-23856103; plus strand). Cytogenetic location: 14q11.2.
Variant type: single nucleotide variant.
Coding change: c.4738G>A on transcript NM_002471.4 (MANE Select); coding-DNA position 4738, G replaced by A.
Protein change: p.Glu1580Lys; replaces glutamic acid 1580 with lysine.
Molecular consequence: missense variant.
Genome position (GRCh38, 1-based): chr14:23,386,536, C>T on the plus strand (G>A on the coding strand, the complement: MYH6 is on the minus strand). VCF-style: chr14-23386536-C-T. GRCh37 (hg19) VCF-style: chr14-23855745-C-T.
Other names: short protein forms E1580K.
Identifiers: ClinVar variation 3698105 (VCV003698105.2).
Genomic context (GRCh38, chr14:23,386,536, plus strand): 5'-GCAGCGAGTCCACCACCCGCTGGTGGTTGCGCTTGGCCTGTTCCATCTCCTCGTCCTTCT[C>T]TGCCAGCTTCCGCTCGATCTCTGCCTTGATCTGGTTGAACTCTAGCTGGGCCCGGAGGAT-3'
Protein context (NP_002462.2, residues 1570-1590): IKAEIERKLA[Glu1580Lys]KDEEMEQAKR